The following is an entry in ClinVar:

NM_005558.4(LAD1):c.853A>G (p.Thr285Ala)

Gene: LAD1 (ladinin 1; minus strand). Cytogenetic location: 1q32.1.
Variant type: single nucleotide variant.
Coding change: c.853A>G on transcript NM_005558.4 (MANE Select); coding-DNA position 853, A replaced by G.
Protein change: p.Thr285Ala; replaces threonine 285 with alanine.
Molecular consequence: missense variant.
Genome position (GRCh38, 1-based): chr1:201,386,508, T>C on the plus strand (A>G on the coding strand, the complement: LAD1 is on the minus strand). VCF-style: chr1-201386508-T-C. GRCh37 (hg19) VCF-style: chr1-201355636-T-C.
Other names: short protein forms T285A.
Identifiers: ClinVar variation 3904924 (VCV003904924.10).

ClinVar aggregate classification (germline): Likely benign (1 of 4 stars; one submission).

gnomAD v4.1: 4,822 of 1,590,760 alleles (0.3%); highest among the groups gnomAD compares: Middle Eastern, 0.68%; 15 homozygotes.

Submission:

CeGaT Center for Human Genetics Tuebingen
Classification: Likely benign. Last evaluated: 2025-06-01. Review status: criteria provided, single submitter. Criteria: CeGaT Center For Human Genetics Tuebingen Variant Classification Criteria Version 2. Collection method: clinical testing. Allele origin: germline. Affected: yes. Observed: 1 variant allele.
Comment: LAD1: BP4, BS2